The following is an entry in ClinVar:

ClinVar aggregate classification (germline): Pathogenic (1 of 4 stars; one submission).

Submission:

Labcorp Genetics (formerly Invitae), Labcorp
Classification: Pathogenic. Last evaluated: 2022-10-13. Review status: criteria provided, single submitter. Criteria: Invitae Variant Classification Sherloc (09022015). Collection method: clinical testing. Allele origin: germline.
Comment: This sequence change creates a premature translational stop signal (p.His2169Leufs*9) in the EYS gene. It is expected to result in an absent or disrupted protein product. Loss-of-function variants in EYS are known to be pathogenic (PMID: 18836446, 20333770). For these reasons, this variant has been classified as Pathogenic. This variant has not been reported in the literature in individuals affected with EYS-related conditions. This variant is not present in population databases (gnomAD no frequency).

Literature cited by the submitters: PubMed 18836446; PubMed 20333770.

NM_001142800.2(EYS):c.6506del (p.His2169fs)

Gene: EYS (EGF-like photoreceptor maintenance factor; minus strand). Cytogenetic location: 6q12.
Variant type: Deletion.
Coding change: c.6506del on transcript NM_001142800.2 (MANE Select); coding-DNA position 6506, one base deleted (A; older notation c.6506delA).
Protein change: p.His2169fs; shifts the reading frame from histidine 2169.
Molecular consequence: frameshift variant.
Genome position (GRCh38, 1-based): chr6:64,081,921, T deleted on the plus strand (A on the coding strand, the reverse complement: EYS is on the minus strand). VCF-style (leftmost placement, unchanged base first): chr6-64081920-AT-A. GRCh37 (hg19) VCF-style: chr6-64791813-AT-A.
Other names: c.6506del, p.His2169fs (NM_001292009.2); short protein forms H2169fs.
Identifiers: ClinVar variation 2035481 (VCV002035481.4), dbSNP rs2533588432, ClinGen allele CA2580075638.